The following is an entry in ClinVar:

ClinVar aggregate classification (germline): Benign/Likely benign. Review status: criteria provided, multiple submitters, no conflicts (2 of 4 stars). 5 submissions from 5 submitters: Benign (3); Likely benign (1). 1 of the submissions does not count toward it. Last evaluated 2026-10-01.

Conditions:
ANXA11-related disorder. Also called: ANXA11-related condition.

Allele frequency attached by ClinVar (database versions not stated): 1000 Genomes Project 0.00220; 1000 Genomes Project 30x 0.00234; TOPMed 0.00456; gnomAD 0.00461 and 0.00491; ESP Exome Variant Server 0.00561; gnomAD exomes 0.00572 and 0.00689; ExAC 0.00718.

Submissions (5):

CeGaT Center for Human Genetics Tuebingen
Classification: Likely benign. Last evaluated: 2026-10-01. Review status: criteria provided, single submitter. Criteria: CeGaT Center For Human Genetics Tuebingen Variant Classification Criteria Version 2. Collection method: clinical testing. Allele origin: germline. Affected: yes. Observed: 8 variant alleles.
Comment: ANXA11: BS2

Labcorp Genetics (formerly Invitae), Labcorp
Classification: Benign. Last evaluated: 2026-01-26. Review status: criteria provided, single submitter. Criteria: Invitae Variant Classification Sherloc (09022015). Collection method: clinical testing. Allele origin: germline.

Mayo Clinic Laboratories, Mayo Clinic
Classification: Benign. Last evaluated: 2024-04-12. Review status: criteria provided, single submitter. Criteria: ACMG Guidelines, 2015. Collection method: clinical testing. Allele origin: germline. Observed: 4 variant alleles.
Comment: BS1, BS2

Breakthrough Genomics
Classification: Benign. Review status: criteria provided, single submitter. Criteria: ACMG Guidelines, 2015. Collection method: not provided. Allele origin: germline. Inheritance: Autosomal dominant inheritance. Affected: yes.

PreventionGenetics, part of Exact Sciences
Classification: Benign for ANXA11-related condition. Last evaluated: 2020-03-30. Review status: no assertion criteria provided. Collection method: clinical testing. Allele origin: germline. Not counted in ClinVar's aggregate classification.
Comment: This variant is classified as benign based on ACMG/AMP sequence variant interpretation guidelines (Richards et al. 2015 PMID: 25741868, with internal and published modifications).

NM_145868.2(ANXA11):c.23C>T (p.Pro8Leu)

Gene: ANXA11 (annexin A11; minus strand). Cytogenetic location: 10q22.3.
Variant type: single nucleotide variant.
Coding change: c.23C>T on transcript NM_145868.2 (MANE Select); coding-DNA position 23, C replaced by T.
Protein change: p.Pro8Leu; replaces proline 8 with leucine.
Molecular consequence: missense variant. On other transcripts: 5 prime UTR variant (1).
Genome position (GRCh38, 1-based): chr10:80,172,839, G>A on the plus strand (C>T on the coding strand, the complement: ANXA11 is on the minus strand). VCF-style: chr10-80172839-G-A. GRCh37 (hg19) VCF-style: chr10-81932595-G-A.
Other names: p.Pro8Leu; c.23C>T, p.Pro8Leu (NM_001157.3, NM_001278407.2, NM_001278408.2 and 1 more transcripts); c.-346C>T (NM_001278409.2); c.23C>T (NM_145869.1); short protein forms P8L.
Identifiers: ClinVar variation 1587074 (VCV001587074.39), dbSNP rs147334030, ClinGen allele CA5576454.